The following is an entry in ClinVar:

NM_197968.4(ZMYM2):c.2911A>C (p.Ser971Arg)

Gene: ZMYM2 (zinc finger MYM-type containing 2; plus strand). Cytogenetic location: 13q12.11.
Variant type: single nucleotide variant.
Coding change: c.2911A>C on transcript NM_197968.4 (MANE Select); coding-DNA position 2911, A replaced by C.
Protein change: p.Ser971Arg; replaces serine 971 with arginine.
Molecular consequence: missense variant. On other transcripts: non-coding transcript variant (1).
Genome position (GRCh38, 1-based): chr13:20,061,224, A>C. VCF-style: chr13-20061224-A-C. GRCh37 (hg19) VCF-style: chr13-20635364-A-C.
Other names: c.2911A>C, p.Ser971Arg (NM_001190964.4, NM_001190965.4, NM_001353157.2 and 5 more transcripts); c.2716A>C, p.Ser906Arg (NM_001353161.3); c.2650A>C, p.Ser884Arg (NM_001353163.2); short protein forms S884R, S971R, S906R.
Identifiers: ClinVar variation 1387545 (VCV001387545.6), dbSNP rs1431698575, ClinGen allele CA387464403.

ClinVar aggregate classification (germline): Uncertain significance (1 of 4 stars; one submission).

Allele frequency attached by ClinVar (database versions not stated): gnomAD exomes below 0.00001; TOPMed below 0.00001.
gnomAD v4.1: 3 of 1,613,426 alleles (0.00019%); highest among the groups gnomAD compares: Admixed American, 0.005%; no homozygotes.

Submission:

Labcorp Genetics (formerly Invitae), Labcorp
Classification: Uncertain significance. Last evaluated: 2021-10-16. Review status: criteria provided, single submitter. Criteria: Invitae Variant Classification Sherloc (09022015). Collection method: clinical testing. Allele origin: germline.
Comment: In summary, the available evidence is currently insufficient to determine the role of this variant in disease. Therefore, it has been classified as a Variant of Uncertain Significance. Algorithms developed to predict the effect of missense changes on protein structure and function are either unavailable or do not agree on the potential impact of this missense change (SIFT: "Not Available"; PolyPhen-2: "Benign"; Align-GVGD: "Not Available"). This variant has not been reported in the literature in individuals affected with ZMYM2-related conditions. This variant is not present in population databases (ExAC no frequency). This sequence change replaces serine with arginine at codon 971 of the ZMYM2 protein (p.Ser971Arg). The serine residue is moderately conserved and there is a moderate physicochemical difference between serine and arginine.